The following is an entry in ClinVar:

ClinVar aggregate classification (germline): Uncertain significance (1 of 4 stars; one submission).

Submission:

Labcorp Genetics (formerly Invitae), Labcorp
Classification: Uncertain significance. Last evaluated: 2026-01-11. Review status: criteria provided, single submitter. Criteria: Invitae Variant Classification Sherloc (09022015). Collection method: clinical testing. Allele origin: germline.
Comment: This variant, c.261_266del, results in the deletion of 2 amino acid(s) of the ARIH1 protein (p.Gly89_Gly90del), but otherwise preserves the integrity of the reading frame. The frequency data for this variant in the population databases is considered unreliable, as metrics indicate poor data quality at this position in the gnomAD database. This variant has not been reported in the literature in individuals affected with ARIH1-related conditions. Experimental studies and prediction algorithms are not available or were not evaluated, and the functional significance of this variant is currently unknown. In summary, the available evidence is currently insufficient to determine the role of this variant in disease. Therefore, it has been classified as a Variant of Uncertain Significance.

NM_005744.5(ARIH1):c.258TGG[1] (p.Gly89_Gly90del)

Gene: ARIH1 (ariadne RBR E3 ubiquitin protein ligase 1; plus strand). Cytogenetic location: 15q24.1.
Variant type: Microsatellite.
Coding change: c.258TGG[1] on transcript NM_005744.5 (MANE Select); one copy of the 3-base unit TGG starting at c.258; the reference has three copies in a row; two copies, 6 bases deleted.
Protein change: p.Gly89_Gly90del.
Molecular consequence: inframe deletion.
Genome position (GRCh38, 1-based): chr15:72,474,900-72,474,905, TGGTGG deleted; deleting any 6 consecutive bases within chr15:72,474,895-72,474,905 gives the same sequence; the position shown is the placement nearest the transcript's 3' end. VCF-style (leftmost placement, unchanged base first): chr15-72474894-CGGTGGT-C. GRCh37 (hg19) VCF-style: chr15-72767235-CGGTGGT-C.
Identifiers: ClinVar variation 1901060 (VCV001901060.5), dbSNP rs767633154, ClinGen allele CA618963043.